The following is an entry in ClinVar:

NM_001374736.1(DST):c.12156C>G (p.Thr4052=)

Gene: DST (dystonin; minus strand). Cytogenetic location: 6p12.1.
Variant type: single nucleotide variant.
Coding change: c.12156C>G on transcript NM_001374736.1 (MANE Select); coding-DNA position 12156, C replaced by G.
Protein change: p.Thr4052=; no amino-acid change (threonine 4052 retained).
Molecular consequence: synonymous variant.
Genome position (GRCh38, 1-based): chr6:56,597,779, G>C on the plus strand (C>G on the coding strand, the complement: DST is on the minus strand). VCF-style: chr6-56597779-G-C. GRCh37 (hg19) VCF-style: chr6-56462577-G-C.
Other names: c.5799C>G, p.Thr1933= (NM_001144769.5); c.5385C>G, p.Thr1795= (NM_001144770.2); c.12156C>G, p.Thr4052= (NM_001374722.1); c.11523C>G, p.Thr3841= (NM_001374729.1); c.5265C>G, p.Thr1755= (NM_001374730.1, NM_001386100.1, NM_183380.4); c.12183C>G, p.Thr4061= (NM_001374734.1); c.4287C>G, p.Thr1429= (NM_015548.5).
Identifiers: ClinVar variation 4982554 (VCV004982554.1).

ClinVar aggregate classification (germline): Likely benign (1 of 4 stars; one submission).

Conditions:
DST-related disorder. Also called: DST-related condition; DST-related disorders.

gnomAD v4.1: 14 of 1,613,774 alleles (0.00087%); highest among the groups gnomAD compares: African/African-American, 0.0013%; no homozygotes.

Submission:

PreventionGenetics, part of Exact Sciences
Classification: Likely benign for DST-related condition. Last evaluated: 2026-08-19. Review status: criteria provided, single submitter. Criteria: ACMG Guidelines, 2015. Collection method: clinical testing. Allele origin: germline.
Comment: This variant is classified as likely benign based on ACMG/AMP sequence variant interpretation guidelines (Richards et al. 2015 PMID: 25741868, with internal and published modifications).